The following is an entry in ClinVar:

ClinVar aggregate classification (germline): Uncertain significance (1 of 4 stars; one submission).

Allele frequency attached by ClinVar (database versions not stated): ExAC 0.00001; TOPMed 0.00001.
gnomAD v4.1: 17 of 1,607,802 alleles (0.0011%); highest among the groups gnomAD compares: Non-Finnish European, 0.0014%; no homozygotes.

Submission:

Labcorp Genetics (formerly Invitae), Labcorp
Classification: Uncertain significance. Last evaluated: 2022-02-21. Review status: criteria provided, single submitter. Criteria: Invitae Variant Classification Sherloc (09022015). Collection method: clinical testing. Allele origin: germline.
Comment: In summary, the available evidence is currently insufficient to determine the role of this variant in disease. Therefore, it has been classified as a Variant of Uncertain Significance. Algorithms developed to predict the effect of missense changes on protein structure and function are either unavailable or do not agree on the potential impact of this missense change (SIFT: "Deleterious"; PolyPhen-2: "Probably Damaging"; Align-GVGD: "Class C0"). This variant has not been reported in the literature in individuals affected with ASXL1-related conditions. This variant is present in population databases (rs774775836, gnomAD 0.003%). This sequence change replaces serine, which is neutral and polar, with arginine, which is basic and polar, at codon 199 of the ASXL1 protein (p.Ser199Arg).

NM_015338.6(ASXL1):c.597C>G (p.Ser199Arg)

Gene: ASXL1 (ASXL transcriptional regulator 1; plus strand). Cytogenetic location: 20q11.21.
Variant type: single nucleotide variant.
Coding change: c.597C>G on transcript NM_015338.6 (MANE Select); coding-DNA position 597, C replaced by G.
Protein change: p.Ser199Arg; replaces serine 199 with arginine.
Molecular consequence: missense variant. On other transcripts: intron variant (1).
Genome position (GRCh38, 1-based): chr20:32,429,932, C>G. VCF-style: chr20-32429932-C-G. GRCh37 (hg19) VCF-style: chr20-31017735-C-G.
Other names: c.535+501C>G (NM_001363734.1); short protein forms S199R.
Identifiers: ClinVar variation 2160833 (VCV002160833.4), dbSNP rs774775836, ClinGen allele CA9808150.
Genomic context (GRCh38, chr20:32,429,932, plus strand): 5'-TTTTGACCAGTGGAATGCTGTGCCTTCAGGGTTCTCGGGCTGCCACGCCGATGGCGAGAG[C>G]GGCAGCCCGTCCAGCAGCAGCAGCGGCTCTCTGGCCCTGGGCAGCGCTGCTATTCGTGGC-3'
Protein context (NP_056153.2, residues 189-209): GFSGCHADGE[Ser199Arg]GSPSSSSSGS